The following is an entry in ClinVar:

NM_001080517.3(SETD5):c.3958T>C (p.Tyr1320His)

Gene: SETD5 (SET domain containing 5; plus strand). Cytogenetic location: 3p25.3.
Variant type: single nucleotide variant.
Coding change: c.3958T>C on transcript NM_001080517.3 (MANE Select); coding-DNA position 3958, T replaced by C.
Protein change: p.Tyr1320His; replaces tyrosine 1320 with histidine.
Molecular consequence: missense variant.
Genome position (GRCh38, 1-based): chr3:9,475,720, T>C. VCF-style: chr3-9475720-T-C. GRCh37 (hg19) VCF-style: chr3-9517404-T-C.
Other names: c.3664T>C, p.Tyr1222His (NM_001292043.2, NM_001349451.2); c.3958T>C (NM_001080517.1); short protein forms Y1222H, Y1320H.
Identifiers: ClinVar variation 809413 (VCV000809413.48), dbSNP rs565601251, ClinGen allele CA2239841.

ClinVar aggregate classification (germline): Conflicting classifications of pathogenicity. Review status: criteria provided, conflicting classifications (1 of 4 stars). 3 submissions from 3 submitters: Uncertain significance (2); Likely benign (1). Last evaluated 2025-12-29.

Conditions:
Inborn genetic diseases. Identifiers: MedGen C0950123, MeSH D030342.

Allele frequency attached by ClinVar (database versions not stated): ExAC 0.00002; gnomAD exomes 0.00002 and 0.00003; gnomAD 0.00003; TOPMed 0.00003; 1000 Genomes Project 30x 0.00016; 1000 Genomes Project 0.00020.
gnomAD v4.1: 35 of 1,613,834 alleles (0.0022%); highest among the groups gnomAD compares: Non-Finnish European, 0.0029%; no homozygotes.

Submissions (3):

Labcorp Genetics (formerly Invitae), Labcorp
Classification: Uncertain significance. Last evaluated: 2025-12-29. Review status: criteria provided, single submitter. Criteria: Invitae Variant Classification Sherloc (09022015). Collection method: clinical testing. Allele origin: germline.
Comment: This sequence change replaces tyrosine, which is neutral and polar, with histidine, which is basic and polar, at codon 1320 of the SETD5 protein (p.Tyr1320His). This variant is present in population databases (rs565601251, gnomAD 0.007%). This variant has not been reported in the literature in individuals affected with SETD5-related conditions. ClinVar contains an entry for this variant (Variation ID: 809413). Invitae Evidence Modeling of protein sequence and biophysical properties (such as structural, functional, and spatial information, amino acid conservation, physicochemical variation, residue mobility, and thermodynamic stability) indicates that this missense variant is not expected to disrupt SETD5 protein function with a negative predictive value of 80%. In summary, the available evidence is currently insufficient to determine the role of this variant in disease. Therefore, it has been classified as a Variant of Uncertain Significance.

CeGaT Center for Human Genetics Tuebingen
Classification: Uncertain significance. Last evaluated: 2025-05-01. Review status: criteria provided, single submitter. Criteria: CeGaT Center For Human Genetics Tuebingen Variant Classification Criteria Version 2. Collection method: clinical testing. Allele origin: germline. Affected: yes. Observed: 4 variant alleles.

Ambry Genetics
Classification: Likely benign for Inborn genetic diseases. Last evaluated: 2023-07-05. Review status: criteria provided, single submitter. Criteria: Ambry Variant Classification Scheme 2023. Collection method: clinical testing. Allele origin: germline.